The following is an entry in ClinVar:

ClinVar aggregate classification (germline): Uncertain significance (1 of 4 stars; one submission).

Conditions:
Autosomal dominant nocturnal frontal lobe epilepsy 5. Also called: CILIARY DYSKINESIA, PRIMARY, 28, WITHOUT SITUS INVERSUS; CILIARY DYSKINESIA, PRIMARY, 28, WITH SITUS INVERSUS; Epilepsy, nocturnal frontal lobe, 5; KCNT1-Related Epilepsy. Identifiers: Orphanet 98784, MedGen C3554306, MONDO:0014002, OMIM 615005.
Developmental and epileptic encephalopathy, 14 (DEE14). Also called: Early infantile epileptic encephalopathy 14. Identifiers: Orphanet 293181, MedGen C3554195, MONDO:0013989, OMIM 614959.

Submissions (2):

Labcorp Genetics (formerly Invitae), Labcorp
Classification: Uncertain significance for Autosomal dominant nocturnal frontal lobe epilepsy 5; Developmental and epileptic encephalopathy, 14. Last evaluated: 2022-05-28. Review status: criteria provided, single submitter. Criteria: Invitae Variant Classification Sherloc (09022015). Collection method: clinical testing. Allele origin: germline.
Comment: This variant has not been reported in the literature in individuals affected with KCNT1-related conditions. Algorithms developed to predict the effect of missense changes on protein structure and function (SIFT, PolyPhen-2, Align-GVGD) all suggest that this variant is likely to be disruptive. Variants that disrupt the consensus splice site are a relatively common cause of aberrant splicing (PMID: 17576681, 9536098). Algorithms developed to predict the effect of sequence changes on RNA splicing suggest that this variant may disrupt the consensus splice site. In summary, the available evidence is currently insufficient to determine the role of this variant in disease. Therefore, it has been classified as a Variant of Uncertain Significance. This variant is not present in population databases (gnomAD no frequency). This sequence change replaces arginine, which is basic and polar, with leucine, which is neutral and non-polar, at codon 910 of the KCNT1 protein (p.Arg910Leu). This variant also falls at the last nucleotide of exon 23, which is part of the consensus splice site for this exon.

Dr. Peter K. Rogan Lab, Western University
No classification provided (evidence only). Condition: Thyroid cancer, nonmedullary, 1. Review status: no classification provided. Collection method: in vitro. Allele origin: not applicable. Functional consequence: retained intron. Not counted in ClinVar's aggregate classification.

Literature cited by the submitters: PubMed 17576681 (cited by Labcorp Genetics (formerly Invitae), Labcorp); PubMed 9536098 (cited by Labcorp Genetics (formerly Invitae), Labcorp).

NM_020822.3(KCNT1):c.2729G>T (p.Arg910Leu)

Gene: KCNT1 (potassium sodium-activated channel subfamily T member 1; plus strand). Cytogenetic location: 9q34.3.
Variant type: single nucleotide variant.
Coding change: c.2729G>T on transcript NM_020822.3 (MANE Select); coding-DNA position 2729, G replaced by T.
Protein change: p.Arg910Leu; replaces arginine 910 with leucine.
Molecular consequence: missense variant.
Genome position (GRCh38, 1-based): chr9:135,778,822, G>T. VCF-style: chr9-135778822-G-T. GRCh37 (hg19) VCF-style: chr9-138670668-G-T.
Other names: c.2594G>T, p.Arg865Leu (NM_001272003.2); short protein forms R865L, R910L.
Identifiers: ClinVar variation 2180499 (VCV002180499.5), dbSNP rs151272083, ClinGen allele CA375515377.
Genomic context (GRCh38, chr9:135,778,822, plus strand): 5'-GCGCCGAGGAGGACTACATGGCGGACGCCAAGACCATCGTCAACGTGCAGACCATGTTCC[G>T]GTGCGTCCAGTGTCCGGGGCTCGGCTCTAAACCACCCCACAGCCACGACCACGGGCCCTC-3'
Protein context (NP_065873.2, residues 900-920): KTIVNVQTMF[Arg910Leu]LFPSLSITTE